The following is an entry in ClinVar:

ClinVar aggregate classification (germline): Uncertain significance. Review status: criteria provided, multiple submitters, no conflicts (2 of 4 stars). 2 submissions from 2 submitters: Uncertain significance (2). Last evaluated 2025-06-08.

gnomAD v4.1: 14 of 1,614,050 alleles (0.00087%); highest among the groups gnomAD compares: Middle Eastern, 0.049%; no homozygotes.

Submissions (2):

Labcorp Genetics (formerly Invitae), Labcorp
Classification: Uncertain significance. Last evaluated: 2025-06-08. Review status: criteria provided, single submitter. Criteria: Invitae Variant Classification Sherloc (09022015). Collection method: clinical testing. Allele origin: germline.
Comment: This sequence change replaces asparagine, which is neutral and polar, with lysine, which is basic and polar, at codon 569 of the SETD5 protein (p.Asn569Lys). This variant is not present in population databases (gnomAD no frequency). This variant has not been reported in the literature in individuals affected with SETD5-related conditions. ClinVar contains an entry for this variant (Variation ID: 3368224). Invitae Evidence Modeling of protein sequence and biophysical properties (such as structural, functional, and spatial information, amino acid conservation, physicochemical variation, residue mobility, and thermodynamic stability) indicates that this missense variant is not expected to disrupt SETD5 protein function with a negative predictive value of 80%. In summary, the available evidence is currently insufficient to determine the role of this variant in disease. Therefore, it has been classified as a Variant of Uncertain Significance.

GeneDx
Classification: Uncertain significance. Last evaluated: 2024-01-26. Review status: criteria provided, single submitter. Criteria: GeneDx Variant Classification Process June 2021. Collection method: clinical testing. Allele origin: germline. Affected: yes.
Comment: Not observed at significant frequency in large population cohorts (gnomAD); In silico analysis supports that this missense variant does not alter protein structure/function; Has not been previously published as pathogenic or benign to our knowledge

NM_001080517.3(SETD5):c.1707C>A (p.Asn569Lys)

Gene: SETD5 (SET domain containing 5; plus strand). Cytogenetic location: 3p25.3.
Variant type: single nucleotide variant.
Coding change: c.1707C>A on transcript NM_001080517.3 (MANE Select); coding-DNA position 1707, C replaced by A.
Protein change: p.Asn569Lys; replaces asparagine 569 with lysine.
Molecular consequence: missense variant.
Genome position (GRCh38, 1-based): chr3:9,447,232, C>A. VCF-style: chr3-9447232-C-A. GRCh37 (hg19) VCF-style: chr3-9488916-C-A.
Other names: c.1413C>A, p.Asn471Lys (NM_001292043.2, NM_001349451.2); short protein forms N471K, N569K.
Identifiers: ClinVar variation 3368224 (VCV003368224.2).